The following is an entry in ClinVar:

ClinVar aggregate classification (germline): Uncertain significance. Review status: criteria provided, multiple submitters, no conflicts (2 of 4 stars). 2 submissions from 2 submitters: Uncertain significance (2). Last evaluated 2026-02-25.

Conditions:
Hereditary cancer-predisposing syndrome. Also called: Neoplastic Syndromes, Hereditary; Tumor predisposition; Hereditary neoplastic syndrome; Hereditary Cancer Syndrome. Identifiers: Orphanet 140162, MedGen C0027672, MeSH D009386, MONDO:0015356.
Oligodontia-cancer predisposition syndrome. Also called: TOOTH AGENESIS-COLORECTAL CANCER SYNDROME. Identifiers: Orphanet 300576, MedGen C1837750, MONDO:0012075, OMIM 608615. Disease mechanism: loss of function.

Allele frequency attached by ClinVar (database versions not stated): TOPMed below 0.00001.

Submissions (2):

Ambry Genetics
Classification: Uncertain significance for Hereditary cancer-predisposing syndrome. Last evaluated: 2026-02-25. Review status: criteria provided, single submitter. Criteria: Ambry Variant Classification Scheme 2023. Collection method: clinical testing. Allele origin: germline.
Comment: The p.M1? variant (also known as c.1A>T), located in coding exon 1 of the AXIN2 gene, results from an A to T substitution at nucleotide position 1. This alters the methionine residue at the initiation codon (ATG). Variations that modify the initiation codon (ATG) are expected to result in either loss of translation initiation, N-terminal truncation, or cause a shift in the mRNA reading frame; however, there is an in-frame methionine 4 amino acids from the initiation site, which may result in N-terminal truncation of unknown functional significance. Based on the available evidence, the clinical significance of this variant remains unclear.

Labcorp Genetics (formerly Invitae), Labcorp
Classification: Uncertain significance for Oligodontia-cancer predisposition syndrome. Last evaluated: 2024-09-12. Review status: criteria provided, single submitter. Criteria: Invitae Variant Classification Sherloc (09022015). Collection method: clinical testing. Allele origin: germline.
Comment: This sequence change affects the initiator methionine of the AXIN2 mRNA. The next in-frame methionine is located at codon 5. This variant is not present in population databases (gnomAD no frequency). This variant has not been reported in the literature in individuals affected with AXIN2-related conditions. ClinVar contains an entry for this variant (Variation ID: 408840). In summary, the available evidence is currently insufficient to determine the role of this variant in disease. Therefore, it has been classified as a Variant of Uncertain Significance.

NM_004655.4(AXIN2):c.1A>T (p.Met1Leu)

Gene: AXIN2 (axin 2; minus strand). Cytogenetic location: 17q24.1.
Variant type: single nucleotide variant.
Coding change: c.1A>T on transcript NM_004655.4 (MANE Select); coding-DNA position 1, A replaced by T.
Protein change: p.Met1Leu; changes the start codon (methionine 1).
Molecular consequence: missense variant, initiator codon variant.
Genome position (GRCh38, 1-based): chr17:65,558,620, T>A on the plus strand (A>T on the coding strand, the complement: AXIN2 is on the minus strand). VCF-style: chr17-65558620-T-A. GRCh37 (hg19) VCF-style: chr17-63554738-T-A.
Other names: c.1A>T (LRG_296t1); c.1A>T, p.Met1Leu (NM_001363813.1); short protein forms M1L.
Identifiers: ClinVar variation 408840 (VCV000408840.10), dbSNP rs1060502151, ClinGen allele CA16615910.